The following is an entry in ClinVar:

NM_006147.4(IRF6):c.964T>A (p.Tyr322Asn)

Gene: IRF6 (interferon regulatory factor 6; minus strand). Cytogenetic location: 1q32.2.
Variant type: single nucleotide variant.
Coding change: c.964T>A on transcript NM_006147.4 (MANE Select); coding-DNA position 964, T replaced by A.
Protein change: p.Tyr322Asn; replaces tyrosine 322 with asparagine.
Molecular consequence: missense variant.
Genome position (GRCh38, 1-based): chr1:209,790,591, A>T on the plus strand (T>A on the coding strand, the complement: IRF6 is on the minus strand). VCF-style: chr1-209790591-A-T. GRCh37 (hg19) VCF-style: chr1-209963936-A-T.
Other names: c.679T>A, p.Tyr227Asn (NM_001206696.2); short protein forms Y322N, Y227N.
Identifiers: ClinVar variation 464465 (VCV000464465.8), dbSNP rs1553247754, ClinGen allele CA344575537.
Genomic context (GRCh38, chr1:209,790,591, plus strand): 5'-TCTTTTGTCTCTCAATCAGGTTGGGAGCAACAAGTGATGGGGCACATGGCCCAGACCAGT[A>T]CACCTTGCACTGGCACAGCCTGATGGCATAAATGGCATGACCGCTGACCTCCAGGATCAG-3'
Protein context (NP_006138.1, residues 312-332): YAIRLCQCKV[Tyr322Asn]WSGPCAPSLV

ClinVar aggregate classification (germline): Uncertain significance (1 of 4 stars; one submission).

Conditions:
Popliteal pterygium syndrome (PPS). Identifiers: Orphanet 294963, MedGen C0265259, MONDO:0017435.
Orofacial cleft 6, susceptibility to (OFC6). Also called: CLEFT LIP WITH OR WITHOUT CLEFT PALATE, NONSYNDROMIC, 6. Identifiers: MedGen C1837213, MONDO:0012141, OMIM 608864.
Van der Woude syndrome. Identifiers: Orphanet 888, MedGen C0175697, MONDO:0019508.

Submission:

Labcorp Genetics (formerly Invitae), Labcorp
Classification: Uncertain significance for Orofacial cleft 6, susceptibility to; Van der Woude syndrome; Popliteal pterygium syndrome. Last evaluated: 2016-07-03. Review status: criteria provided, single submitter. Criteria: Invitae Variant Classification Sherloc (09022015). Collection method: clinical testing. Allele origin: germline.
Comment: This sequence change replaces tyrosine with asparagine at codon 322 of the IRF6 protein (p.Tyr322Asn). The tyrosine residue is highly conserved and there is a large physicochemical difference between tyrosine and asparagine. In summary, this variant is a novel missense change with uncertain impact on protein function. It has been classified as a Variant of Uncertain Significance. Algorithms developed to predict the effect of missense changes on protein structure and function (SIFT, PolyPhen-2, Align-GVGD) all suggest that this variant is likely to be disruptive, but these predictions have not been confirmed by published functional studies. This variant is not present in population databases (ExAC no frequency) and has not been reported in the literature in individuals with a IRF6-related disease.